The following is an entry in ClinVar:

NM_003873.7(NRP1):c.6G>A (p.Glu2=)

Gene: NRP1 (neuropilin 1; minus strand). Cytogenetic location: 10p11.22.
Variant type: single nucleotide variant.
Coding change: c.6G>A on transcript NM_003873.7 (MANE Select); coding-DNA position 6, G replaced by A.
Protein change: p.Glu2=; no amino-acid change (glutamic acid 2 retained).
Molecular consequence: synonymous variant. On other transcripts: non-coding transcript variant (1).
Genome position (GRCh38, 1-based): chr10:33,334,377, C>T on the plus strand (G>A on the coding strand, the complement: NRP1 is on the minus strand). VCF-style: chr10-33334377-C-T. GRCh37 (hg19) VCF-style: chr10-33623305-C-T.
Other names: c.6G>A, p.Glu2= (NM_001024628.3, NM_001024629.3, NM_001244972.2 and 2 more transcripts).
Identifiers: ClinVar variation 4996075 (VCV004996075.1).

ClinVar aggregate classification (germline): Likely benign (1 of 4 stars; one submission).

Conditions:
NRP1-related disorder. Also called: NRP1-related condition.

gnomAD v4.1: 1 of 1,545,584 alleles (0.000065%); no homozygotes.

Submission:

PreventionGenetics, part of Exact Sciences
Classification: Likely benign for NRP1-related condition. Last evaluated: 2026-01-22. Review status: criteria provided, single submitter. Criteria: ACMG Guidelines, 2015. Collection method: clinical testing. Allele origin: germline.
Comment: This variant is classified as likely benign based on ACMG/AMP sequence variant interpretation guidelines (Richards et al. 2015 PMID: 25741868, with internal and published modifications).